The following is an entry in ClinVar:

NM_001127511.3(APC):c.-69G>C

Gene: APC (APC regulator of Wnt signaling pathway; plus strand). Cytogenetic location: 5q22.2.
Variant type: single nucleotide variant.
Coding change: c.-69G>C on transcript NM_001127511.3; 69 bases upstream of the start codon, G replaced by C.
Molecular consequence: 5 prime UTR variant. On other transcripts: non-coding transcript variant (2).
Genome position (GRCh38, 1-based): chr5:112,707,649, G>C. VCF-style: chr5-112707649-G-C. GRCh37 (hg19) VCF-style: chr5-112043346-G-C.
Other names: c.-252G>C (NM_001354895.2, NM_001407447.1, NM_001407452.1 and 3 more transcripts); c.-69G>C (NM_001354897.2, NM_001354902.2, NM_001407446.1); c.-19G>C (NM_001407448.1, NM_001407450.1, NM_001407457.1 and 1 more transcripts); c.-43G>C (NM_001407453.1); c.-1287G>C (NM_001407470.1, NM_001407472.1).
Identifiers: ClinVar variation 1422922 (VCV001422922.6), dbSNP rs2149630009, ClinGen allele CA2573138789.

ClinVar aggregate classification (germline): Uncertain significance (1 of 4 stars; one submission).

Conditions:
Familial adenomatous polyposis 1 (FAP1). Also called: FAMILIAL ADENOMATOUS POLYPOSIS 1, ATTENUATED; POLYPOSIS, ADENOMATOUS INTESTINAL. Identifiers: MedGen C2713442, MONDO:0021056, OMIM 175100. Disease mechanism: loss of function.

gnomAD v4.1: 2 of 1,362,392 alleles (0.00015%); highest among the groups gnomAD compares: Non-Finnish European, 0.00019%; no homozygotes.

Submission:

Labcorp Genetics (formerly Invitae), Labcorp
Classification: Uncertain significance for Familial adenomatous polyposis 1. Last evaluated: 2021-08-28. Review status: criteria provided, single submitter. Criteria: Invitae Variant Classification Sherloc (09022015). Collection method: clinical testing. Allele origin: germline.
Comment: This variant occurs in a non-coding region of the APC gene. It does not change the encoded amino acid sequence of the APC protein. The frequency data for this variant in the population databases is considered unreliable, as metrics indicate insufficient coverage at this position in the ExAC database. This variant has not been reported in the literature in individuals affected with APC-related conditions. Experimental studies and prediction algorithms are not available or were not evaluated, and the functional significance of this variant is currently unknown. In summary, the available evidence is currently insufficient to determine the role of this variant in disease. Therefore, it has been classified as a Variant of Uncertain Significance.